The following is an entry in ClinVar:

ClinVar aggregate classification (germline): Uncertain significance (1 of 4 stars; one submission).

Submission:

Labcorp Genetics (formerly Invitae), Labcorp
Classification: Uncertain significance. Last evaluated: 2022-06-29. Review status: criteria provided, single submitter. Criteria: Invitae Variant Classification Sherloc (09022015). Collection method: clinical testing. Allele origin: germline.
Comment: Algorithms developed to predict the effect of missense changes on protein structure and function are either unavailable or do not agree on the potential impact of this missense change (SIFT: "Deleterious"; PolyPhen-2: "Benign"; Align-GVGD: "Class C0"). ClinVar contains an entry for this variant (Variation ID: 863533). This variant has not been reported in the literature in individuals affected with CTNNA1-related conditions. This variant is not present in population databases (gnomAD no frequency). This sequence change replaces serine, which is neutral and polar, with alanine, which is neutral and non-polar, at codon 846 of the CTNNA1 protein (p.Ser846Ala). In summary, the available evidence is currently insufficient to determine the role of this variant in disease. Therefore, it has been classified as a Variant of Uncertain Significance.

NM_001903.5(CTNNA1):c.2536T>G (p.Ser846Ala)

Gene: CTNNA1 (catenin alpha 1; plus strand). Cytogenetic location: 5q31.2.
Variant type: single nucleotide variant.
Coding change: c.2536T>G on transcript NM_001903.5 (MANE Select); coding-DNA position 2536, T replaced by G.
Protein change: p.Ser846Ala; replaces serine 846 with alanine.
Molecular consequence: missense variant. On other transcripts: 3 prime UTR variant (5).
Genome position (GRCh38, 1-based): chr5:138,933,904, T>G. VCF-style: chr5-138933904-T-G. GRCh37 (hg19) VCF-style: chr5-138269593-T-G.
Other names: c.*81T>G (NM_001290307.3, NM_001324002.1, NM_001324003.1 and 2 more transcripts); c.2227T>G, p.Ser743Ala (NM_001290309.3); c.2167T>G, p.Ser723Ala (NM_001290310.3); c.1426T>G, p.Ser476Ala (NM_001290312.1, NM_001323987.1, NM_001323988.1 and 12 more transcripts); c.2536T>G, p.Ser846Ala (NM_001323982.2, NM_001323983.1, NM_001323984.2); c.2509T>G, p.Ser837Ala (NM_001323985.2); c.2443T>G, p.Ser815Ala (NM_001323986.2); c.1291T>G, p.Ser431Ala (NM_001324001.1); and 3 more; short protein forms S395A, S431A, S723A, S363A, S837A, S846A, S445A, S476A.
Identifiers: ClinVar variation 863533 (VCV000863533.9), dbSNP rs1765985574, ClinGen allele CA361135392.